The following is an entry in ClinVar:

NM_000093.5(COL5A1):c.1013A>G (p.Tyr338Cys)

Gene: COL5A1 (collagen type V alpha 1 chain; plus strand). Cytogenetic location: 9q34.3.
Variant type: single nucleotide variant.
Coding change: c.1013A>G on transcript NM_000093.5 (MANE Select); coding-DNA position 1013, A replaced by G.
Protein change: p.Tyr338Cys; replaces tyrosine 338 with cysteine.
Molecular consequence: missense variant.
Genome position (GRCh38, 1-based): chr9:134,730,324, A>G. VCF-style: chr9-134730324-A-G. GRCh37 (hg19) VCF-style: chr9-137622170-A-G.
Other names: c.1013A>G, p.Tyr338Cys (NM_001278074.1); short protein forms Y338C.
Identifiers: ClinVar variation 2872856 (VCV002872856.3), dbSNP rs2490501095, ClinGen allele CA375449448.

ClinVar aggregate classification (germline): Uncertain significance (1 of 4 stars; one submission).

Conditions:
Ehlers-Danlos syndrome, classic type, 1 (EDSCL1). Also called: EHLERS-DANLOS SYNDROME, GRAVIS TYPE; EHLERS-DANLOS SYNDROME, SEVERE CLASSIC TYPE; Ehlers-Danlos syndrome, type 1; Ehlers-Danlos Syndrome, Classic Type, COL5A1-Related; EDS I. Identifiers: MedGen C0268335, MONDO:0019567, OMIM 130000.

Allele frequency attached by ClinVar (database versions not stated): gnomAD exomes below 0.00001.
gnomAD v4.1: 1 of 1,614,230 alleles (0.000062%); highest among the groups gnomAD compares: Non-Finnish European, 0.000085%; no homozygotes.

Submission:

Labcorp Genetics (formerly Invitae), Labcorp
Classification: Uncertain significance for Ehlers-Danlos syndrome, classic type, 1. Last evaluated: 2023-10-23. Review status: criteria provided, single submitter. Criteria: Invitae Variant Classification Sherloc (09022015). Collection method: clinical testing. Allele origin: germline.
Comment: This sequence change replaces tyrosine, which is neutral and polar, with cysteine, which is neutral and slightly polar, at codon 338 of the COL5A1 protein (p.Tyr338Cys). This variant is not present in population databases (gnomAD no frequency). This variant has not been reported in the literature in individuals affected with COL5A1-related conditions. Advanced modeling of protein sequence and biophysical properties (such as structural, functional, and spatial information, amino acid conservation, physicochemical variation, residue mobility, and thermodynamic stability) performed at Invitae indicates that this missense variant is not expected to disrupt COL5A1 protein function with a negative predictive value of 95%. In summary, the available evidence is currently insufficient to determine the role of this variant in disease. Therefore, it has been classified as a Variant of Uncertain Significance.